The following is an entry in ClinVar:

NM_020549.5(CHAT):c.1198G>A (p.Asp400Asn)

Gene: CHAT (choline O-acetyltransferase; plus strand). Cytogenetic location: 10q11.23.
Variant type: single nucleotide variant.
Coding change: c.1198G>A on transcript NM_020549.5 (MANE Select); coding-DNA position 1198, G replaced by A.
Protein change: p.Asp400Asn; replaces aspartic acid 400 with asparagine.
Molecular consequence: missense variant.
Genome position (GRCh38, 1-based): chr10:49,646,591, G>A. VCF-style: chr10-49646591-G-A. GRCh37 (hg19) VCF-style: chr10-50854637-G-A.
Other names: c.844G>A, p.Asp282Asn (NM_001142929.2, NM_001142934.2, NM_020984.4 and 2 more transcripts); c.952G>A, p.Asp318Asn (NM_001142933.2); short protein forms D282N, D400N, D318N.
Identifiers: ClinVar variation 128717 (VCV000128717.20), dbSNP rs8178991, ClinGen allele CA152335.

ClinVar aggregate classification (germline): Benign/Likely benign. Review status: criteria provided, multiple submitters, no conflicts (2 of 4 stars). 6 submissions from 6 submitters: Benign (2); Likely benign (2). 2 of the submissions do not count toward it. Last evaluated 2026-02-04.

Conditions:
Familial infantile myasthenia (CMS6). Also called: MYASTHENIC SYNDROME, CONGENITAL, 6, PRESYNAPTIC; Congenital myasthenic syndrome type 6; MYASTHENIC SYNDROME, PRESYNAPTIC, CONGENITAL, ASSOCIATED WITH EPISODIC APNEA. Identifiers: Orphanet 590, MedGen C0393929, MONDO:0009689, OMIM 254210.

Allele frequency attached by ClinVar (database versions not stated): 1000 Genomes Project 30x 0.00562; 1000 Genomes Project 0.00599; TOPMed 0.01165; gnomAD exomes 0.01308; ExAC 0.01333; ESP Exome Variant Server 0.01615.
gnomAD v4.1: 29,031 of 1,614,240 alleles (1.8%); highest among the groups gnomAD compares: Non-Finnish European, 2.2%; 344 homozygotes.

Submissions (6):

Labcorp Genetics (formerly Invitae), Labcorp
Classification: Benign for Familial infantile myasthenia. Last evaluated: 2026-02-04. Review status: criteria provided, single submitter. Criteria: Invitae Variant Classification Sherloc (09022015). Collection method: clinical testing. Allele origin: germline.

GeneDx
Classification: Benign. Last evaluated: 2016-09-20. Review status: criteria provided, single submitter. Criteria: GeneDx Variant Classification (06012015). Collection method: clinical testing. Allele origin: germline. Affected: yes.
Comment: This variant is considered likely benign or benign based on one or more of the following criteria: it is a conservative change, it occurs at a poorly conserved position in the protein, it is predicted to be benign by multiple in silico algorithms, and/or has population frequency not consistent with disease.

Breakthrough Genomics
Classification: Likely benign. Review status: criteria provided, single submitter. Criteria: ACMG Guidelines, 2015. Collection method: not provided. Allele origin: germline. Inheritance: Autosomal recessive inheritance. Affected: yes.

PreventionGenetics, part of Exact Sciences
Classification: Likely benign. Review status: criteria provided, single submitter. Criteria: ACMG Guidelines, 2015. Collection method: clinical testing. Allele origin: germline.

Mayo Clinic Laboratories, Mayo Clinic
Classification: Likely benign. Last evaluated: 2016-02-23. Review status: no assertion criteria provided. Collection method: clinical testing. Allele origin: unknown. Not counted in ClinVar's aggregate classification.

Genetic Services Laboratory, University of Chicago
Classification: Likely benign for AllHighlyPenetrant. Review status: no assertion criteria provided. Collection method: clinical testing. Allele origin: germline. Inheritance: Autosomal recessive inheritance. Not counted in ClinVar's aggregate classification.
Comment: Likely benign based on allele frequency in 1000 Genomes Project or ESP global frequency and its presence in a patient with a rare or unrelated disease phenotype. NOT Sanger confirmed.